The following is an entry in ClinVar:

NM_203447.4(DOCK8):c.3230G>A (p.Ser1077Asn)

Gene: DOCK8 (dedicator of cytokinesis 8; plus strand). Cytogenetic location: 9p24.3.
Variant type: single nucleotide variant.
Coding change: c.3230G>A on transcript NM_203447.4 (MANE Select); coding-DNA position 3230, G replaced by A.
Protein change: p.Ser1077Asn; replaces serine 1077 with asparagine.
Molecular consequence: missense variant.
Genome position (GRCh38, 1-based): chr9:399,255, G>A. VCF-style: chr9-399255-G-A. GRCh37 (hg19) VCF-style: chr9-399255-G-A.
Other names: p.S1009N:AGC>AAC; c.2930G>A, p.Ser977Asn (NM_001190458.2); c.3026G>A, p.Ser1009Asn (NM_001193536.2); short protein forms S1077N, S1009N, S977N.
Identifiers: ClinVar variation 137144 (VCV000137144.22), dbSNP rs34627722, ClinGen allele CA175862.
Genomic context (GRCh38, chr9:399,255, plus strand): 5'-ATGACCTTCTCTCCCTCATGGATCGGGGCTTTGTGTTTAACCTCATCAGACATTATTGCA[G>A]CCAGGTGAGTGTCCCCCCCACCCCCACCCCCGAGCGAGCCACTTGGTTCCTTCTCATATA-3'
Protein context (NP_982272.2, residues 1067-1087): FVFNLIRHYC[Ser1077Asn]QLSAKLSNLP

ClinVar aggregate classification (germline): Benign/Likely benign. Review status: criteria provided, multiple submitters, no conflicts (2 of 4 stars). 10 submissions from 10 submitters: Benign (6); Likely benign (2). 2 of the submissions do not count toward it. Last evaluated 2026-02-04.

Conditions:
Combined immunodeficiency due to DOCK8 deficiency (HIES2). Also called: HIES autosomal recessive; HYPER-IgE RECURRENT INFECTION SYNDROME 2, AUTOSOMAL RECESSIVE; HYPER-IgE SYNDROME 2, AUTOSOMAL RECESSIVE, WITH RECURRENT INFECTIONS; DOCK8 Deficiency; Hyper-IgE recurrent infection syndrome, autosomal recessive. Identifiers: Orphanet 217390, MedGen C4722305, MONDO:0009478, OMIM 243700.

Allele frequency attached by ClinVar (database versions not stated): gnomAD exomes 0.03451 and 0.04768; ExAC 0.04442; gnomAD 0.05625 and 0.05757; ESP Exome Variant Server 0.05797; TOPMed 0.06044; 1000 Genomes Project 0.06110; 1000 Genomes Project 30x 0.06418.
gnomAD v4.1: 58,879 of 1,610,006 alleles (3.7%); highest among the groups gnomAD compares: African/African-American, 11%; 1,682 homozygotes.

Submissions (10):

Labcorp Genetics (formerly Invitae), Labcorp
Classification: Benign for Combined immunodeficiency due to DOCK8 deficiency. Last evaluated: 2026-02-04. Review status: criteria provided, single submitter. Criteria: Invitae Variant Classification Sherloc (09022015). Collection method: clinical testing. Allele origin: germline.

Women's Health and Genetics/Laboratory Corporation of America, LabCorp
Classification: Likely benign. Last evaluated: 2026-01-21. Review status: criteria provided, single submitter. Criteria: LabCorp Variant Classification Summary - May 2015. Collection method: clinical testing. Allele origin: germline.

Blueprint Genetics
Classification: Likely benign. Last evaluated: 2024-11-27. Review status: criteria provided, single submitter. Criteria: ACMG Guidelines, 2015. Collection method: clinical testing. Allele origin: germline.

Mayo Clinic Laboratories, Mayo Clinic
Classification: Benign. Last evaluated: 2019-05-23. Review status: criteria provided, single submitter. Criteria: ACMG Guidelines, 2015. Collection method: clinical testing. Allele origin: germline. Observed: 74 variant alleles.

Illumina Laboratory Services, Illumina
Classification: Benign for Combined immunodeficiency due to DOCK8 deficiency. Last evaluated: 2018-01-13. Review status: criteria provided, single submitter. Criteria: ICSL Variant Classification Criteria 13 December 2019. Collection method: clinical testing. Allele origin: germline.
Comment: This variant was observed in the ICSL laboratory as part of a predisposition screen in an ostensibly healthy population. It had not been previously curated by ICSL or reported in the Human Gene Mutation Database (HGMD: prior to June 1st, 2018), and was therefore a candidate for classification through an automated scoring system. Utilizing variant allele frequency, disease prevalence and penetrance estimates, and inheritance mode, an automated score was calculated to assess if this variant is too frequent to cause the disease. Based on the score and internal cut-off values, a variant classified as benign is not then subjected to further curation. The score for this variant resulted in a classification of benign for this disease.

GeneDx
Classification: Benign. Last evaluated: 2014-03-20. Review status: criteria provided, single submitter. Criteria: GeneDx Variant Classification (06012015). Collection method: clinical testing. Allele origin: germline. Affected: yes.
Comment: This variant is considered likely benign or benign based on one or more of the following criteria: it is a conservative change, it occurs at a poorly conserved position in the protein, it is predicted to be benign by multiple in silico algorithms, and/or has population frequency not consistent with disease.

Laboratory for Molecular Medicine, Mass General Brigham Personalized Medicine
Classification: Benign. Last evaluated: 2013-02-21. Review status: criteria provided, single submitter. Criteria: LMM Criteria. Collection method: clinical testing. Allele origin: germline. Observed: 3 variant alleles.
Comment: Ser1077Asn in exon 26 of DOCK8: This variant is not expected to have clinical si gnificance because it has been identified in 10.7% (473/4406) of African America n chromosomes from a broad population by the NHLBI Exome Sequencing Project (dbSNP rs34627722).

Breakthrough Genomics
Classification: Benign. Review status: criteria provided, single submitter. Criteria: ACMG Guidelines, 2015. Collection method: not provided. Allele origin: germline. Inheritance: Autosomal recessive inheritance. Affected: yes.

Genome Diagnostics Laboratory, University Medical Center Utrecht
Classification: Benign. Review status: no assertion criteria provided. Collection method: clinical testing. Allele origin: germline. Affected: yes. Study: VKGL Data-share Consensus. Not counted in ClinVar's aggregate classification.

Laboratory of Diagnostic Genome Analysis, Leiden University Medical Center (LUMC)
Classification: Likely benign. Review status: no assertion criteria provided. Collection method: clinical testing. Allele origin: germline. Affected: yes. Study: VKGL Data-share Consensus. Not counted in ClinVar's aggregate classification.